The following is an entry in ClinVar:

NM_000780.4(CYP7A1):c.791A>G (p.Asn264Ser)

Gene: CYP7A1 (cytochrome P450 family 7 subfamily A member 1; minus strand). Cytogenetic location: 8q12.1.
Variant type: single nucleotide variant.
Coding change: c.791A>G on transcript NM_000780.4 (MANE Select); coding-DNA position 791, A replaced by G.
Protein change: p.Asn264Ser; replaces asparagine 264 with serine.
Molecular consequence: missense variant.
Genome position (GRCh38, 1-based): chr8:58,496,721, T>C on the plus strand (A>G on the coding strand, the complement: CYP7A1 is on the minus strand). VCF-style: chr8-58496721-T-C. GRCh37 (hg19) VCF-style: chr8-59409280-T-C.
Other names: short protein forms N264S.
Identifiers: ClinVar variation 1927294 (VCV001927294.6), dbSNP rs151320685, ClinGen allele CA177300162.
Genomic context (GRCh38, chr8:58,496,721, plus strand): 5'-CAGAGGACCACGAGGTGTGTCTTGGCCTTCTCCAGATCATCAAAGGTGGACAAAGTGTCA[T>C]TGAGAAACATGCGCAGGCTGATCAGTTCTGAGATGCTTTCCCTCTTTTGGAGGTTCTCGT-3'
Protein context (NP_000771.2, residues 254-274): SELISLRMFL[Asn264Ser]DTLSTFDDLE

ClinVar aggregate classification (germline): Uncertain significance. Review status: criteria provided, multiple submitters, no conflicts (2 of 4 stars). 2 submissions from 2 submitters: Uncertain significance (2). Last evaluated 2022-07-08.

Allele frequency attached by ClinVar (database versions not stated): gnomAD 0.00001; gnomAD exomes 0.00001; TOPMed 0.00001; ESP Exome Variant Server 0.00015.
gnomAD v4.1: 16 of 1,614,134 alleles (0.00099%); highest among the groups gnomAD compares: African/African-American, 0.0013%; no homozygotes.

Submissions (2):

Labcorp Genetics (formerly Invitae), Labcorp
Classification: Uncertain significance. Last evaluated: 2022-07-08. Review status: criteria provided, single submitter. Criteria: Invitae Variant Classification Sherloc (09022015). Collection method: clinical testing. Allele origin: germline.
Comment: In summary, the available evidence is currently insufficient to determine the role of this variant in disease. Therefore, it has been classified as a Variant of Uncertain Significance. Algorithms developed to predict the effect of missense changes on protein structure and function (SIFT, PolyPhen-2, Align-GVGD) all suggest that this variant is likely to be disruptive. This variant has not been reported in the literature in individuals affected with CYP7A1-related conditions. This variant is present in population databases (rs151320685, gnomAD 0.007%). This sequence change replaces asparagine, which is neutral and polar, with serine, which is neutral and polar, at codon 264 of the CYP7A1 protein (p.Asn264Ser).

Ambry Genetics
Classification: Uncertain significance. Last evaluated: 2022-01-19. Review status: criteria provided, single submitter. Criteria: Ambry Variant Classification Scheme 2023. Collection method: clinical testing. Allele origin: germline.